The following is an entry in ClinVar:

NM_000136.3(FANCC):c.783A>T (p.Leu261=)

Genes: AOPEP (aminopeptidase O (putative); plus strand), FANCC (FA complementation group C; minus strand). Cytogenetic location: 9q22.32.
Variant type: single nucleotide variant.
Coding change: c.783A>T on transcript NM_000136.3 (MANE Select); coding-DNA position 783, A replaced by T.
Protein change: p.Leu261=; no amino-acid change (leucine 261 retained).
Molecular consequence: synonymous variant.
Genome position (GRCh38, 1-based): chr9:95,135,406, T>A on the plus strand (A>T on the coding strand, the complement: FANCC is on the minus strand). VCF-style: chr9-95135406-T-A. GRCh37 (hg19) VCF-style: chr9-97897688-T-A.
Other names: c.783A>T, p.Leu261= (NM_001243743.2, NM_001243744.2); c.783A>T (NM_000136.2).
Identifiers: ClinVar variation 1118381 (VCV001118381.35), dbSNP rs1060504646, ClinGen allele CA466100940.

ClinVar aggregate classification (germline): Likely benign. Review status: criteria provided, multiple submitters, no conflicts (2 of 4 stars). 4 submissions from 4 submitters: Likely benign (4). Last evaluated 2025-03-01.

Conditions:
Hereditary cancer-predisposing syndrome. Also called: Tumor predisposition; Hereditary neoplastic syndrome; Hereditary Cancer Syndrome; Neoplastic Syndromes, Hereditary. Identifiers: Orphanet 140162, MedGen C0027672, MeSH D009386, MONDO:0015356.
Fanconi anemia (FA). Also called: Fanconi's anemia. Identifiers: Orphanet 84, MedGen C0015625, MeSH D005199, MONDO:0019391.

Allele frequency attached by ClinVar (database versions not stated): gnomAD exomes below 0.00001; TOPMed below 0.00001; gnomAD 0.00002.
gnomAD v4.1: 8 of 1,613,944 alleles (0.0005%); highest among the groups gnomAD compares: Middle Eastern, 0.016%; no homozygotes.

Submissions (4):

Labcorp Genetics (formerly Invitae), Labcorp
Classification: Likely benign for Fanconi anemia. Last evaluated: 2025-03-01. Review status: criteria provided, single submitter. Criteria: Invitae Variant Classification Sherloc (09022015). Collection method: clinical testing. Allele origin: germline.

Ambry Genetics
Classification: Likely benign for Hereditary cancer-predisposing syndrome. Last evaluated: 2023-07-23. Review status: criteria provided, single submitter. Criteria: Ambry Variant Classification Scheme 2023. Collection method: clinical testing. Allele origin: germline.

Blueprint Genetics
Classification: Likely benign. Last evaluated: 2022-12-20. Review status: criteria provided, single submitter. Criteria: ACMG Guidelines, 2015. Collection method: clinical testing. Allele origin: germline.

CeGaT Center for Human Genetics Tuebingen
Classification: Likely benign. Last evaluated: 2022-04-01. Review status: criteria provided, single submitter. Criteria: CeGaT Center For Human Genetics Tuebingen Variant Classification Criteria Version 2. Collection method: clinical testing. Allele origin: germline. Affected: yes. Observed: 1 variant allele.
Comment: FANCC: BP4, BP7